The following is an entry in ClinVar:

ClinVar aggregate classification (germline): Likely benign (1 of 4 stars; one submission).

Allele frequency attached by ClinVar (database versions not stated): gnomAD exomes 0.00001; ExAC 0.00002.
gnomAD v4.1: 3 of 1,612,324 alleles (0.00019%); highest among the groups gnomAD compares: Non-Finnish European, 0.00017%; no homozygotes.

Submission:

Laboratory for Molecular Medicine, Mass General Brigham Personalized Medicine
Classification: Likely benign. Last evaluated: 2016-11-13. Review status: criteria provided, single submitter. Criteria: LMM Criteria. Collection method: clinical testing. Allele origin: germline. Observed: 1 variant allele.
Comment: p.Ser1616Phe in exon 35 of MYO3A: This variant is not expected to have clinical significance due to a lack of conservation across species, including mammals. Of note, 4 mammals have a phenylalanine (Phe) at this position despite high nearby amino acid conservation. In addition, computational prediction tools do not sug gest a high likelihood of impact to the protein. It has also been identified in 2/61700 European chromosomes by the Exome Aggregation Consortium (ExAC; dbSNP rs752615488).

NM_017433.5(MYO3A):c.4847C>T (p.Ser1616Phe)

Gene: MYO3A (myosin IIIA; plus strand). Cytogenetic location: 10p12.1.
Variant type: single nucleotide variant.
Coding change: c.4847C>T on transcript NM_017433.5 (MANE Select); coding-DNA position 4847, C replaced by T.
Protein change: p.Ser1616Phe; replaces serine 1616 with phenylalanine.
Molecular consequence: missense variant.
Genome position (GRCh38, 1-based): chr10:26,211,959, C>T. VCF-style: chr10-26211959-C-T. GRCh37 (hg19) VCF-style: chr10-26500888-C-T.
Other names: short protein forms S1616F.
Identifiers: ClinVar variation 505411 (VCV000505411.4), dbSNP rs752615488, ClinGen allele CA5445600.